The following is an entry in ClinVar:

ClinVar aggregate classification (germline): Uncertain significance (1 of 4 stars; one submission).

Allele frequency attached by ClinVar (database versions not stated): gnomAD exomes below 0.00001; TOPMed below 0.00001; gnomAD 0.00001.
gnomAD v4.1: 2 of 1,613,748 alleles (0.00012%); highest among the groups gnomAD compares: Admixed American, 0.0017%; no homozygotes.

Submission:

GeneDx
Classification: Uncertain significance. Last evaluated: 2022-12-30. Review status: criteria provided, single submitter. Criteria: GeneDx Variant Classification Process June 2021. Collection method: clinical testing. Allele origin: germline. Affected: yes.
Comment: Not observed at significant frequency in large population cohorts (gnomAD); In silico analysis supports that this missense variant does not alter protein structure/function; Has not been previously published as pathogenic or benign to our knowledge

NM_020381.4(PDSS2):c.380G>A (p.Ser127Asn)

Gene: PDSS2 (decaprenyl diphosphate synthase subunit 2; minus strand). Cytogenetic location: 6q21.
Variant type: single nucleotide variant.
Coding change: c.380G>A on transcript NM_020381.4 (MANE Select); coding-DNA position 380, G replaced by A.
Protein change: p.Ser127Asn; replaces serine 127 with asparagine.
Molecular consequence: missense variant.
Genome position (GRCh38, 1-based): chr6:107,334,249, C>T on the plus strand (G>A on the coding strand, the complement: PDSS2 is on the minus strand). VCF-style: chr6-107334249-C-T. GRCh37 (hg19) VCF-style: chr6-107655453-C-T.
Other names: short protein forms S127N.
Identifiers: ClinVar variation 2507352 (VCV002507352.1), dbSNP rs1027214591, ClinGen allele CA145610295.